The following is an entry in ClinVar:

ClinVar aggregate classification (germline): Uncertain significance (1 of 4 stars; one submission).

gnomAD v4.1: 186 of 1,612,828 alleles (0.012%); highest among the groups gnomAD compares: Non-Finnish European, 0.015%; no homozygotes.

Submissions (2):

Labcorp Genetics (formerly Invitae), Labcorp
Classification: Uncertain significance. Last evaluated: 2024-10-17. Review status: criteria provided, single submitter. Criteria: Invitae Variant Classification Sherloc (09022015). Collection method: clinical testing. Allele origin: germline.
Comment: This sequence change affects codon 232 of the PROSC mRNA. It is a 'silent' change, meaning that it does not change the encoded amino acid sequence of the PROSC protein. This variant also falls at the last nucleotide of exon 7, which is part of the consensus splice site for this exon. This variant is present in population databases (rs200504564, gnomAD 0.004%). This variant has not been reported in the literature in individuals affected with PROSC-related conditions. Variants that disrupt the consensus splice site are a relatively common cause of aberrant splicing (PMID: 17576681, 9536098). Algorithms developed to predict the effect of sequence changes on RNA splicing suggest that this variant is not likely to affect RNA splicing. In summary, the available evidence is currently insufficient to determine the role of this variant in disease. Therefore, it has been classified as a Variant of Uncertain Significance.

Dr. Peter K. Rogan Lab, Western University
No classification provided (evidence only). Condition: Ovarian serous cystadenocarcinoma. Review status: no classification provided. Collection method: in vitro. Allele origin: not applicable. Functional consequence: retained intron. Not counted in ClinVar's aggregate classification.

Literature cited by the submitters: PubMed 17576681 (cited by Labcorp Genetics (formerly Invitae), Labcorp); PubMed 9536098 (cited by Labcorp Genetics (formerly Invitae), Labcorp).

NM_007198.4(PLPBP):c.696G>C (p.Ala232=)

Gene: PLPBP (pyridoxal phosphate binding protein; plus strand). Cytogenetic location: 8p11.23.
Variant type: single nucleotide variant.
Coding change: c.696G>C on transcript NM_007198.4 (MANE Select); coding-DNA position 696, G replaced by C.
Protein change: p.Ala232=; no amino-acid change (alanine 232 retained).
Molecular consequence: synonymous variant.
Genome position (GRCh38, 1-based): chr8:37,776,016, G>C. VCF-style: chr8-37776016-G-C. GRCh37 (hg19) VCF-style: chr8-37633534-G-C.
Other names: c.726G>C, p.Ala242= (NM_001349346.2); c.690G>C, p.Ala230= (NM_001349347.2); c.540G>C, p.Ala180= (NM_001349348.2).
Identifiers: ClinVar variation 3713425 (VCV003713425.3).